The following is an entry in ClinVar:

ClinVar aggregate classification (germline): Uncertain significance. Review status: criteria provided, multiple submitters, no conflicts (2 of 4 stars). 2 submissions from 2 submitters: Uncertain significance (2). Last evaluated 2023-02-09.

Conditions:
Cardiovascular phenotype. Identifiers: MedGen CN230736.

Allele frequency attached by ClinVar (database versions not stated): gnomAD exomes below 0.00001.
gnomAD v4.1: 2 of 1,612,470 alleles (0.00012%); highest among the groups gnomAD compares: Non-Finnish European, 0.000085%; no homozygotes.

Submissions (2):

Blueprint Genetics
Classification: Uncertain significance. Last evaluated: 2023-02-09. Review status: criteria provided, single submitter. Criteria: ACMG Guidelines, 2015. Collection method: clinical testing. Allele origin: germline.

Ambry Genetics
Classification: Uncertain significance for Cardiovascular phenotype. Last evaluated: 2022-05-02. Review status: criteria provided, single submitter. Criteria: Ambry Variant Classification Scheme 2023. Collection method: clinical testing. Allele origin: germline.
Comment: The p.M24V variant (also known as c.70A>G), located in coding exon 1 of the TBX20 gene, results from an A to G substitution at nucleotide position 70. The methionine at codon 24 is replaced by valine, an amino acid with highly similar properties. This amino acid position is conserved. In addition, this alteration is predicted to be deleterious by in silico analysis. Since supporting evidence is limited at this time, the clinical significance of this alteration remains unclear.

NM_001077653.2(TBX20):c.70A>G (p.Met24Val)

Gene: TBX20 (T-box transcription factor 20; minus strand). Cytogenetic location: 7p14.2.
Variant type: single nucleotide variant.
Coding change: c.70A>G on transcript NM_001077653.2 (MANE Select); coding-DNA position 70, A replaced by G.
Protein change: p.Met24Val; replaces methionine 24 with valine.
Molecular consequence: missense variant.
Genome position (GRCh38, 1-based): chr7:35,253,551, T>C on the plus strand (A>G on the coding strand, the complement: TBX20 is on the minus strand). VCF-style: chr7-35253551-T-C. GRCh37 (hg19) VCF-style: chr7-35293162-T-C.
Other names: c.70A>G, p.Met24Val (NM_001166220.1); short protein forms M24V.
Identifiers: ClinVar variation 1757151 (VCV001757151.3), dbSNP rs750946315, ClinGen allele CA367265573.